The following is an entry in ClinVar:

NM_000722.4(CACNA2D1):c.879+9827G>A

Gene: CACNA2D1 (calcium voltage-gated channel auxiliary subunit alpha2delta 1; minus strand). Cytogenetic location: 7q21.11.
Variant type: single nucleotide variant.
Coding change: c.879+9827G>A on transcript NM_000722.4 (MANE Select); 9827 bases into the intron after coding-DNA position 879, G replaced by A.
Molecular consequence: intron variant. On other transcripts: missense variant (1).
Genome position (GRCh38, 1-based): chr7:82,050,601, C>T on the plus strand (G>A on the coding strand, the complement: CACNA2D1 is on the minus strand). VCF-style: chr7-82050601-C-T. GRCh37 (hg19) VCF-style: chr7-81679917-C-T.
Other names: c.907G>A, p.Glu303Lys (NM_001302890.2); c.879+9827G>A (NM_001366867.1); short protein forms E303K.
Identifiers: ClinVar variation 3571878 (VCV003571878.2).
Genomic context (GRCh38, chr7:82,050,601, plus strand): 5'-CACTCATCCTCCCCTCCAGAGAGACACAATAGTTTAATTACTCTGCATTGAAAATCTCTT[C>T]GGGAGAAGGAGAAATCTCTTTACTATCCTGGAATGCAAATAAATCTGAATAAATTGGCTG-3'

ClinVar aggregate classification (germline): Uncertain significance (1 of 4 stars; one submission).

gnomAD v4.1: 89 of 702,614 alleles (0.013%); highest among the groups gnomAD compares: Middle Eastern, 0.11%; no homozygotes.

Submission:

Athena Diagnostics
Classification: Uncertain significance. Last evaluated: 2024-12-05. Review status: criteria provided, single submitter. Criteria: Athena Diagnostics Criteria. Collection method: clinical testing. Allele origin: unknown.
Comment: Available data are insufficient to determine the clinical significance of the variant at this time. The frequency of this variant in the general population is uninformative in assessment of its pathogenicity. Polyphen and MutationTaster predict this amino acid change may be benign.